The following is an entry in ClinVar:

NM_000135.4(FANCA):c.3556A>G (p.Arg1186Gly)

Gene: FANCA (FA complementation group A; minus strand). Cytogenetic location: 16q24.3.
Variant type: single nucleotide variant.
Coding change: c.3556A>G on transcript NM_000135.4 (MANE Select); coding-DNA position 3556, A replaced by G.
Protein change: p.Arg1186Gly; replaces arginine 1186 with glycine.
Molecular consequence: missense variant.
Genome position (GRCh38, 1-based): chr16:89,745,029, T>C on the plus strand (A>G on the coding strand, the complement: FANCA is on the minus strand). VCF-style: chr16-89745029-T-C. GRCh37 (hg19) VCF-style: chr16-89811437-T-C.
Other names: c.3556A>G, p.Arg1186Gly (NM_001286167.3); c.3556A>G (NM_000135.3); short protein forms R1186G.
Identifiers: ClinVar variation 968886 (VCV000968886.15), dbSNP rs748713183, ClinGen allele CA8251095.
Genomic context (GRCh38, chr16:89,745,029, plus strand): 5'-ACTGCCGGCCTTCTTGTAGCTTCTGCAGTTCCCGGGGCAGCGGGCTCTGGCAGTGTCTCC[T>C]CCACCGGCAGAGCAGCACAGGCTCCAGGCTCGGCCACCACACCTATGGAGAGAGCACCAG-3'
Protein context (NP_000126.2, residues 1176-1196): SLEPVLLCRW[Arg1186Gly]RHCQSPLPRE

ClinVar aggregate classification (germline): Conflicting classifications of pathogenicity. Review status: criteria provided, conflicting classifications (1 of 4 stars). 6 submissions from 6 submitters: Uncertain significance (4); Likely benign (1). 1 of the submissions does not count toward it. Last evaluated 2025-12-15.

Conditions:
Fanconi anemia (FA). Also called: Fanconi's anemia. Identifiers: Orphanet 84, MedGen C0015625, MeSH D005199, MONDO:0019391.
Fanconi anemia complementation group A (FANCA). Also called: FANCA-Related Fanconi Anemia; Fanconi anemia, group A. Identifiers: Orphanet 84, MedGen C3469521, MONDO:0009215, OMIM 227650.

Allele frequency attached by ClinVar (database versions not stated): gnomAD 0.00001; ExAC 0.00003; gnomAD exomes 0.00003 and 0.00005; TOPMed 0.00003.
gnomAD v4.1: 52 of 1,610,104 alleles (0.0032%); highest among the groups gnomAD compares: Middle Eastern, 0.016%; no homozygotes.

Submissions (6):

Labcorp Genetics (formerly Invitae), Labcorp
Classification: Likely benign for Fanconi anemia. Last evaluated: 2025-12-15. Review status: criteria provided, single submitter. Criteria: Invitae Variant Classification Sherloc (09022015). Collection method: clinical testing. Allele origin: germline.

Quest Diagnostics Nichols Institute San Juan Capistrano
Classification: Uncertain significance. Last evaluated: 2025-04-06. Review status: criteria provided, single submitter. Criteria: Quest Diagnostics criteria. Collection method: clinical testing. Allele origin: unknown.
Comment: The FANCA c.3556A>G (p.Arg1186Gly) variant has been reported in the published literature in an individual with a personal and/or family history of breast and/or ovarian cancer (PMID: 38874686 (2024)) and head and neck cancer (PMID: 34598035 (2021)). The frequency of this variant in the general population (Genome Aggregation Database) is uninformative in the assessment of its pathogenicity. Analysis of this variant using bioinformatics tools for the prediction of the effect of amino acid changes on protein structure and function yielded predictions that this variant is benign. Based on the available information, we are unable to determine the clinical significance of this variant.

Fulgent Genetics
Classification: Uncertain significance for Fanconi anemia complementation group A. Last evaluated: 2023-12-26. Review status: criteria provided, single submitter. Criteria: ACMG Guidelines, 2015. Collection method: clinical testing. Allele origin: germline.

Women's Health and Genetics/Laboratory Corporation of America, LabCorp
Classification: Uncertain significance. Last evaluated: 2023-04-29. Review status: criteria provided, single submitter. Criteria: LabCorp Variant Classification Summary - May 2015. Collection method: clinical testing. Allele origin: germline.
Comment: Variant summary: FANCA c.3556A>G (p.Arg1186Gly) results in a non-conservative amino acid change in the encoded protein sequence. Four of five in-silico tools predict a benign effect of the variant on protein function. The variant allele was found at a frequency of 4.9e-05 in 246038 control chromosomes. This frequency is not significantly higher than estimated for a pathogenic variant in FANCA causing Fanconi Anemia (4.9e-05 vs 0.0022), allowing no conclusion about variant significance. c.3556A>G has been reported in the literature as a VUS of germline origin in settings of whole exome sequencing in at-least one individual affected with head and neck carcinomas (HNSCC) (example, Cury_2021). These report(s) do not provide unequivocal conclusions about association of the variant with Fanconi Anemia. To our knowledge, no experimental evidence demonstrating an impact on protein function has been reported. The following publication has been ascertained in the context of this evaluation (PMID: 34598035). Three clinical diagnostic laboratories have submitted clinical-significance assessments for this variant to ClinVar after 2014 without evidence for independent evaluation (VUS, n=2; Likely benign, n=1). Based on the evidence outlined above, the variant was classified as uncertain significance.

Breakthrough Genomics
Classification: Uncertain significance. Review status: criteria provided, single submitter. Criteria: ACMG Guidelines, 2015. Collection method: not provided. Allele origin: germline. Inheritance: Autosomal recessive inheritance. Affected: yes.

Natera, Inc.
Classification: Uncertain significance for Fanconi anemia. Last evaluated: 2020-01-30. Review status: no assertion criteria provided. Collection method: clinical testing. Allele origin: germline. Not counted in ClinVar's aggregate classification.

Literature cited by the submitters: PubMed 34598035 (cited by Quest Diagnostics Nichols Institute San Juan Capistrano and Women's Health and Genetics/Laboratory Corporation of America, LabCorp); PubMed 38874686 (cited by Quest Diagnostics Nichols Institute San Juan Capistrano).